The following is an entry in ClinVar:

NM_000245.4(MET):c.1392+10T>G

Gene: MET (MET proto-oncogene, receptor tyrosine kinase; plus strand). Cytogenetic location: 7q31.2.
Variant type: single nucleotide variant.
Coding change: c.1392+10T>G on transcript NM_000245.4 (MANE Select); 10 bases into the intron after coding-DNA position 1392, T replaced by G.
Molecular consequence: intron variant.
Genome position (GRCh38, 1-based): chr7:116,731,869, T>G. VCF-style: chr7-116731869-T-G. GRCh37 (hg19) VCF-style: chr7-116371923-T-G.
Other names: c.1392+10T>G (NM_001127500.3, NM_001324401.3); c.102+10T>G (NM_001324402.2).
Identifiers: ClinVar variation 1581266 (VCV001581266.9), dbSNP rs2116784727, ClinGen allele CA2573141494.

ClinVar aggregate classification (germline): Likely benign. Review status: criteria provided, multiple submitters, no conflicts (2 of 4 stars). 2 submissions from 2 submitters: Likely benign (2). Last evaluated 2024-11-07.

Conditions:
Renal cell carcinoma. Identifiers: Orphanet 217071, MedGen C0007134, MeSH D002292, MONDO:0005086, HP:0005584.
Papillary renal cell carcinoma type 1 (RCCP1). Also called: Renal adenocarcinoma; Renal cell carcinoma 1; Renal cell carcinoma, somatic; RENAL CELL CARCINOMA, PAPILLARY, 1, SOMATIC. Identifiers: Orphanet 47044, MedGen C1336839, OMIM 605074, HP:0011797.

Submissions (2):

Myriad Genetics, Inc.
Classification: Likely benign for Papillary renal cell carcinoma type 1. Last evaluated: 2024-11-07. Review status: criteria provided, single submitter. Criteria: Myriad Autosomal Dominant, Autosomal Recessive and X-Linked Classification Criteria (2023). Collection method: clinical testing. Allele origin: unknown.
Comment: This variant is considered likely benign. This variant is intronic and is not expected to impact mRNA splicing.

Labcorp Genetics (formerly Invitae), Labcorp
Classification: Likely benign for Renal cell carcinoma. Last evaluated: 2024-08-13. Review status: criteria provided, single submitter. Criteria: Invitae Variant Classification Sherloc (09022015). Collection method: clinical testing. Allele origin: germline.